The following is an entry in ClinVar:

NM_015512.5(DNAH1):c.3431_3432delinsAT (p.Ser1144Asn)

Gene: DNAH1 (dynein axonemal heavy chain 1; plus strand). Cytogenetic location: 3p21.1.
Variant type: Indel.
Coding change: c.3431_3432delinsAT on transcript NM_015512.5 (MANE Select); coding-DNA positions 3431 to 3432, GC replaced by AT.
Protein change: p.Ser1144Asn; replaces serine 1144 with asparagine.
Molecular consequence: missense variant.
Genome position (GRCh38, 1-based): chr3:52,353,584-52,353,585, GC replaced by AT. VCF-style: chr3-52353584-GC-AT. GRCh37 (hg19) VCF-style: chr3-52387600-GC-AT.
Other names: short protein forms S1144N.
Identifiers: ClinVar variation 955705 (VCV000955705.6), dbSNP rs1702487234, ClinGen allele CA1139658104.
Genomic context (GRCh38, chr3:52,353,584, plus strand): 5'-CCAAGGCCAACCTGACCTTTGCTCGCTGCCTGGAGATGAACCTGCAGGACCATATCGAGA[GC>AT]ATCAGCAAGGTGGCTGAGGTGGCTGGCAAGGAGTACGCCATCGAGCAGGTGGGTAGCCAC-3'
Protein context (NP_056327.4, residues 1134-1154): LEMNLQDHIE[Ser1144Asn]ISKVAEVAGK

ClinVar aggregate classification (germline): Uncertain significance. Review status: criteria provided, multiple submitters, no conflicts (2 of 4 stars). 2 submissions from 2 submitters: Uncertain significance (2). Last evaluated 2022-08-21.

Conditions:
Spermatogenic failure 18. Identifiers: MedGen C4539783, MONDO:0054615, OMIM 617576.
Ciliary dyskinesia, primary, 37 (CILD37). Also called: CILIARY DYSKINESIA, PRIMARY, 37, WITH OR WITHOUT SITUS INVERSUS. Identifiers: MedGen C4539798, MONDO:0033204, OMIM 617577.
Primary ciliary dyskinesia. Also called: Ciliary dyskinesia. Identifiers: Orphanet 244, MedGen C0008780, MONDO:0016575, HP:0012265.

Submissions (2):

Labcorp Genetics (formerly Invitae), Labcorp
Classification: Uncertain significance for Ciliary dyskinesia, primary, 37; Spermatogenic failure 18. Last evaluated: 2022-08-21. Review status: criteria provided, single submitter. Criteria: Invitae Variant Classification Sherloc (09022015). Collection method: clinical testing. Allele origin: germline.
Comment: This variant, c.3431_3432delinsAT, is a complex sequence change that results in the deletion of 2 and insertion of 2 amino acid(s) in the DNAH1 protein (p.Ser1144Asn). This variant is present in population databases (no rsID available, gnomAD 2.1%). This missense change has been observed in individual(s) with clinical features of primary ciliary dyskinesia (Invitae). ClinVar contains an entry for this variant (Variation ID: 955705). Algorithms developed to predict the effect of missense changes on protein structure and function are either unavailable or do not agree on the potential impact of this missense change (SIFT: "Not Available"; PolyPhen-2: "Benign"; Align-GVGD: "Not Available"). In summary, the available evidence is currently insufficient to determine the role of this variant in disease. Therefore, it has been classified as a Variant of Uncertain Significance.

UNC Molecular Genetics  Laboratory, University of North Carolina at Chapel Hill
Classification: Uncertain significance for Primary ciliary dyskinesia. Last evaluated: 2020-09-16. Review status: criteria provided, single submitter. Criteria: ACMG Guidelines, 2015. Collection method: clinical testing. Allele origin: germline. Observed: 1 heterozygote.